The following is an entry in ClinVar:

NM_032119.4(ADGRV1):c.1097C>T (p.Thr366Ile)

Gene: ADGRV1 (adhesion G protein-coupled receptor V1; plus strand). Cytogenetic location: 5q14.3.
Variant type: single nucleotide variant.
Coding change: c.1097C>T on transcript NM_032119.4 (MANE Select); coding-DNA position 1097, C replaced by T.
Protein change: p.Thr366Ile; replaces threonine 366 with isoleucine.
Molecular consequence: missense variant. On other transcripts: non-coding transcript variant (1).
Genome position (GRCh38, 1-based): chr5:90,627,635, C>T. VCF-style: chr5-90627635-C-T. GRCh37 (hg19) VCF-style: chr5-89923452-C-T.
Other names: short protein forms T366I.
Identifiers: ClinVar variation 2799439 (VCV002799439.3), dbSNP rs1561412439, ClinGen allele CA360369269.

ClinVar aggregate classification (germline): Uncertain significance (1 of 4 stars; one submission).

Allele frequency attached by ClinVar (database versions not stated): TOPMed 0.00001.
gnomAD v4.1: 2 of 1,613,756 alleles (0.00012%); highest among the groups gnomAD compares: Admixed American, 0.0017%; no homozygotes.

Submission:

Labcorp Genetics (formerly Invitae), Labcorp
Classification: Uncertain significance. Last evaluated: 2024-01-08. Review status: criteria provided, single submitter. Criteria: Invitae Variant Classification Sherloc (09022015). Collection method: clinical testing. Allele origin: germline.
Comment: This sequence change replaces threonine, which is neutral and polar, with isoleucine, which is neutral and non-polar, at codon 366 of the ADGRV1 protein (p.Thr366Ile). This variant is not present in population databases (gnomAD no frequency). This variant has not been reported in the literature in individuals affected with ADGRV1-related conditions. Advanced modeling of protein sequence and biophysical properties (such as structural, functional, and spatial information, amino acid conservation, physicochemical variation, residue mobility, and thermodynamic stability) performed at Invitae indicates that this missense variant is not expected to disrupt ADGRV1 protein function with a negative predictive value of 95%. In summary, the available evidence is currently insufficient to determine the role of this variant in disease. Therefore, it has been classified as a Variant of Uncertain Significance.